The following is an entry in ClinVar:

ClinVar aggregate classification (germline): Benign (0 of 4 stars; one submission).

Conditions:
SLC25A5-related disorder. Also called: SLC25A5-related condition.

Allele frequency attached by ClinVar (database versions not stated): gnomAD exomes 0.00041; ExAC 0.00047; 1000 Genomes Project 30x 0.19958.

Submission:

PreventionGenetics, part of Exact Sciences
Classification: Benign for SLC25A5-related condition. Last evaluated: 2019-09-24. Review status: no assertion criteria provided. Collection method: clinical testing. Allele origin: germline.
Comment: This variant is classified as benign based on ACMG/AMP sequence variant interpretation guidelines (Richards et al. 2015 PMID: 25741868, with internal and published modifications).

NM_001152.5(SLC25A5):c.369A>T (p.Ala123=)

Gene: SLC25A5 (solute carrier family 25 member 5; plus strand). Cytogenetic location: Xq24.
Variant type: single nucleotide variant.
Coding change: c.369A>T on transcript NM_001152.5 (MANE Select); coding-DNA position 369, A replaced by T.
Protein change: p.Ala123=; no amino-acid change (alanine 123 retained).
Molecular consequence: synonymous variant.
Genome position (GRCh38, 1-based): chrX:119,469,918, A>T. VCF-style: chrX-119469918-A-T. GRCh37 (hg19) VCF-style: chrX-118603881-A-T.
Identifiers: ClinVar variation 3059491 (VCV003059491.2), dbSNP rs779172013, ClinGen allele CA10502067.